The following is an entry in ClinVar:

NC_000007.13:g.(?_120381568)_(120386101_?)del

Gene: KCND2 (potassium voltage-gated channel subfamily D member 2; plus strand). Cytogenetic location: 7q31.31.
Variant type: Deletion.
Identifiers: ClinVar variation 1064248 (VCV001064248.5).

ClinVar aggregate classification (germline): Uncertain significance (1 of 4 stars; one submission).

Conditions:
Early Myoclonic Encephalopathy. Identifiers: MedGen C0270855.

Submission:

Labcorp Genetics (formerly Invitae), Labcorp
Classification: Uncertain significance for Early Myoclonic Encephalopathy. Last evaluated: 2021-04-02. Review status: criteria provided, single submitter. Criteria: Invitae Variant Classification Sherloc (09022015). Collection method: clinical testing. Allele origin: germline.
Comment: In summary, the available evidence is currently insufficient to determine the role of this variant in disease. Therefore, it has been classified as a Variant of Uncertain Significance. This variant has not been reported in the literature in individuals with KCND2-related conditions. This variant is a sub-genic deletion of the genomic region encompassing exons 3-5 of the KCND2 gene. While this deletion is not anticipated to result in nonsense mediated decay, it is expected to create a truncated protein product.